The following is an entry in ClinVar:

ClinVar aggregate classification (germline): Conflicting classifications of pathogenicity. Review status: criteria provided, conflicting classifications (1 of 4 stars). 5 submissions from 5 submitters: Uncertain significance (2); Likely benign (3). Last evaluated 2026-01-24.

Conditions:
Cortical dysplasia-focal epilepsy syndrome (PTHSL1). Also called: Pitt-Hopkins-like syndrome 1. Identifiers: Orphanet 163681, Orphanet 221150, MedGen C2750246, MONDO:0012400, OMIM 610042.

Allele frequency attached by ClinVar (database versions not stated): gnomAD 0.00017 and 0.00020; TOPMed 0.00030; ExAC 0.00044; gnomAD exomes 0.00045; 1000 Genomes Project 0.00060; 1000 Genomes Project 30x 0.00062.
gnomAD v4.1: 199 of 1,614,182 alleles (0.012%); highest among the groups gnomAD compares: East Asian, 0.35%; 2 homozygotes.

Submissions (5):

Labcorp Genetics (formerly Invitae), Labcorp
Classification: Likely benign for Cortical dysplasia-focal epilepsy syndrome. Last evaluated: 2026-01-24. Review status: criteria provided, single submitter. Criteria: Invitae Variant Classification Sherloc (09022015). Collection method: clinical testing. Allele origin: germline.

GeneDx
Classification: Uncertain significance. Last evaluated: 2024-12-23. Review status: criteria provided, single submitter. Criteria: GeneDx Variant Classification Process June 2021. Collection method: clinical testing. Allele origin: germline. Affected: yes.
Comment: Observed in an individual with complex partial seizures in published literature (PMID: 31875159); In silico analysis supports that this missense variant has a deleterious effect on protein structure/function; This variant is associated with the following publications: (PMID: 28719003, 26740555, 24807215, 36975488, 31875159)

Revvity Omics, Revvity
Classification: Uncertain significance for Cortical dysplasia-focal epilepsy syndrome. Last evaluated: 2021-02-01. Review status: criteria provided, single submitter. Criteria: ACMG Guidelines, 2015. Collection method: clinical testing. Allele origin: germline.

Illumina Laboratory Services, Illumina
Classification: Likely benign for Cortical dysplasia-focal epilepsy syndrome. Last evaluated: 2018-01-13. Review status: criteria provided, single submitter. Criteria: ICSL Variant Classification Criteria 13 December 2019. Collection method: clinical testing. Allele origin: germline.
Comment: This variant was observed in the ICSL laboratory as part of a predisposition screen in an ostensibly healthy population. It had not been previously curated by ICSL or reported in the Human Gene Mutation Database (HGMD: prior to June 1st, 2018), and was therefore a candidate for classification through an automated scoring system. Utilizing variant allele frequency, disease prevalence and penetrance estimates, and inheritance mode, an automated score was calculated to assess if this variant is too frequent to cause the disease. Based on the score and internal cut-off values, a variant classified as likely benign is not then subjected to further curation. The score for this variant resulted in a classification of likely benign for this disease.

Eurofins Ntd Llc (ga)
Classification: Likely benign. Last evaluated: 2017-06-07. Review status: criteria provided, single submitter. Criteria: EGL Classification Definitions 2015. Collection method: clinical testing. Allele origin: germline. Observed: 1 variant allele.

NM_014141.6(CNTNAP2):c.515T>C (p.Ile172Thr)

Gene: CNTNAP2 (contactin associated protein 2; plus strand). Cytogenetic location: 7q35.
Variant type: single nucleotide variant.
Coding change: c.515T>C on transcript NM_014141.6 (MANE Select); coding-DNA position 515, T replaced by C.
Protein change: p.Ile172Thr; replaces isoleucine 172 with threonine.
Molecular consequence: missense variant.
Genome position (GRCh38, 1-based): chr7:147,044,019, T>C. VCF-style: chr7-147044019-T-C. GRCh37 (hg19) VCF-style: chr7-146741111-T-C.
Other names: p.I172T:ATT>ACT; short protein forms I172T.
Identifiers: ClinVar variation 205308 (VCV000205308.22), dbSNP rs201326295, ClinGen allele CA314249.